The following is an entry in ClinVar:

NM_198252.3(GSN):c.-9-2058C>T

Gene: GSN (gelsolin; plus strand). Cytogenetic location: 9q33.2.
Variant type: single nucleotide variant.
Coding change: c.-9-2058C>T on transcript NM_198252.3 (MANE Select); 2058 bases into the intron before 9 bases upstream of the start codon, C replaced by T.
Molecular consequence: intron variant. On other transcripts: missense variant (1).
Genome position (GRCh38, 1-based): chr9:121,299,905, C>T. VCF-style: chr9-121299905-C-T. GRCh37 (hg19) VCF-style: chr9-124062183-C-T.
Other names: c.44C>T, p.Ser15Phe (NM_000177.5); c.-9-2058C>T (NM_001353054.1, NM_001353053.1, NM_001353060.2 and 5 more transcripts); c.-47-151C>T (NM_001353064.2, NM_001353066.2, NM_001353072.2 and 8 more transcripts); c.-1-2066C>T (NM_001353058.2, NM_001353059.2, NM_001353056.2 and 1 more transcripts); c.-38-160C>T (NM_001353073.2, NM_001353065.2, NM_001353068.2 and 2 more transcripts); c.100-2058C>T (NM_001127663.2); c.-32-166C>T (NM_001353070.2); c.-48-2019C>T (NM_001353055.2); and 3 more; short protein forms S15F.
Identifiers: ClinVar variation 3695253 (VCV003695253.2).
Genomic context (GRCh38, chr9:121,299,905, plus strand): 5'-CTGCCGCTGTCGCCACCATGGCTCCGCACCGCCCCGCGCCCGCGCTGCTTTGCGCGCTGT[C>T]CCTGGCGCTGTGCGCGCTGTCGCTGCCCGTCCGCGCGGCCACTGCGTCGCGGGGGGCGTC-3'

ClinVar aggregate classification (germline): Uncertain significance (1 of 4 stars; one submission).

gnomAD v4.1: 8 of 1,275,504 alleles (0.00063%); highest among the groups gnomAD compares: East Asian, 0.026%; no homozygotes.

Submission:

Labcorp Genetics (formerly Invitae), Labcorp
Classification: Uncertain significance. Last evaluated: 2024-05-21. Review status: criteria provided, single submitter. Criteria: Invitae Variant Classification Sherloc (09022015). Collection method: clinical testing. Allele origin: germline.
Comment: This sequence change replaces serine, which is neutral and polar, with phenylalanine, which is neutral and non-polar, at codon 15 of the GSN protein (p.Ser15Phe). This variant is not present in population databases (gnomAD no frequency). This variant has not been reported in the literature in individuals affected with GSN-related conditions. Algorithms developed to predict the effect of missense changes on protein structure and function output the following: SIFT: "Not Available"; PolyPhen-2: "Benign"; Align-GVGD: "Not Available". The phenylalanine amino acid residue is found in multiple mammalian species, which suggests that this missense change does not adversely affect protein function. In summary, the available evidence is currently insufficient to determine the role of this variant in disease. Therefore, it has been classified as a Variant of Uncertain Significance.